The following is an entry in ClinVar:

ClinVar aggregate classification (germline): Pathogenic (1 of 4 stars; one submission).

Submission:

Labcorp Genetics (formerly Invitae), Labcorp
Classification: Pathogenic. Last evaluated: 2024-02-23. Review status: criteria provided, single submitter. Criteria: Invitae Variant Classification Sherloc (09022015). Collection method: clinical testing. Allele origin: germline.
Comment: This sequence change creates a premature translational stop signal (p.Glu1352Metfs*12) in the TET2 gene. It is expected to result in an absent or disrupted protein product. Loss-of-function variants in TET2 are known to be pathogenic (PMID: 36066697). This variant is not present in population databases (gnomAD no frequency). This variant has not been reported in the literature in individuals affected with TET2-related conditions. For these reasons, this variant has been classified as Pathogenic.

Literature cited by the submitters: PubMed 36066697.

NM_001127208.3(TET2):c.4052_4053dup (p.Glu1352fs)

Genes: TET2 (tet methylcytosine dioxygenase 2; plus strand), TET2-AS1 (TET2 antisense RNA 1; minus strand). Cytogenetic location: 4q24.
Variant type: Microsatellite.
Coding change: c.4052_4053dup on transcript NM_001127208.3 (MANE Select); coding-DNA positions 4052 to 4053, 2 bases duplicated (AT; older notation c.4052_4053dupAT).
Protein change: p.Glu1352fs; shifts the reading frame from glutamic acid 1352.
Molecular consequence: frameshift variant.
Genome position (GRCh38, 1-based): chr4:105,269,617-105,269,618, AT duplicated; duplicating any 2 consecutive bases within chr4:105,269,615-105,269,618 gives the same sequence; the c. name uses the placement nearest the transcript's 3' end. VCF-style (leftmost placement, unchanged base first): chr4-105269614-A-AAT. GRCh37 (hg19) VCF-style: chr4-106190771-A-AAT.
Other names: short protein forms E1352fs.
Identifiers: ClinVar variation 2815072 (VCV002815072.3), dbSNP rs2476695032, ClinGen allele CA2739270218.